The following is an entry in ClinVar:

NM_000141.5(FGFR2):c.976G>A (p.Val326Ile)

Gene: FGFR2 (fibroblast growth factor receptor 2; minus strand). Cytogenetic location: 10q26.13.
Variant type: single nucleotide variant.
Coding change: c.976G>A on transcript NM_000141.5 (MANE Select); coding-DNA position 976, G replaced by A.
Protein change: p.Val326Ile; replaces valine 326 with isoleucine.
Molecular consequence: missense variant. On other transcripts: non-coding transcript variant (1), intron variant (5).
Genome position (GRCh38, 1-based): chr10:121,517,427, C>T on the plus strand (G>A on the coding strand, the complement: FGFR2 is on the minus strand). VCF-style: chr10-121517427-C-T. GRCh37 (hg19) VCF-style: chr10-123276941-C-T.
Other names: c.709G>A, p.Val237Ile (NM_001144915.2, NM_023029.3); c.631G>A, p.Val211Ile (NM_001144916.2, NM_001144918.2); c.292G>A, p.Val98Ile (NM_001320654.2); c.976G>A, p.Val326Ile (NM_001320658.2); c.749-2108G>A (NM_001144914.1); c.939+2552G>A (NM_001144917.2); c.1087+1255G>A (NM_022970.4, NM_001144913.1); c.820+1255G>A (NM_001144919.2); short protein forms V326I, V98I, V211I, V237I.
Identifiers: ClinVar variation 2005278 (VCV002005278.4), dbSNP rs972534891, ClinGen allele CA214310283.

ClinVar aggregate classification (germline): Uncertain significance (1 of 4 stars; one submission).

Conditions:
FGFR2-related craniosynostosis. Identifiers: MedGen CN231480.

gnomAD v4.1: 6 of 1,614,200 alleles (0.00037%); highest among the groups gnomAD compares: South Asian, 0.0011%; no homozygotes.

Submission:

Labcorp Genetics (formerly Invitae), Labcorp
Classification: Uncertain significance for FGFR2-related craniosynostosis. Last evaluated: 2022-06-12. Review status: criteria provided, single submitter. Criteria: Invitae Variant Classification Sherloc (09022015). Collection method: clinical testing. Allele origin: germline.
Comment: This sequence change replaces valine, which is neutral and non-polar, with isoleucine, which is neutral and non-polar, at codon 326 of the FGFR2 protein (p.Val326Ile). In summary, the available evidence is currently insufficient to determine the role of this variant in disease. Therefore, it has been classified as a Variant of Uncertain Significance. Algorithms developed to predict the effect of missense changes on protein structure and function (SIFT, PolyPhen-2, Align-GVGD) all suggest that this variant is likely to be tolerated. This variant has not been reported in the literature in individuals affected with FGFR2-related conditions. This variant is not present in population databases (gnomAD no frequency).